The following is an entry in ClinVar:

ClinVar aggregate classification (germline): Uncertain significance. Review status: criteria provided, multiple submitters, no conflicts (2 of 4 stars). 2 submissions from 2 submitters: Uncertain significance (2). Last evaluated 2025-12-08.

Conditions:
Mitochondrial complex II deficiency, nuclear type 1. Also called: SUCCINATE CoQ REDUCTASE DEFICIENCY. Identifiers: Orphanet 3208, MedGen C5700310, MONDO:0100294, OMIM 252011.
Pheochromocytoma/paraganglioma syndrome 5. Also called: SDHA-Related Hereditary Paraganglioma-Pheochromocytoma Syndrome; Paragangliomas 5. Identifiers: Orphanet 29072, MedGen C3279992, MONDO:0013602, OMIM 614165.
Hereditary cancer-predisposing syndrome. Also called: Neoplastic Syndromes, Hereditary; Hereditary Cancer Syndrome; Tumor predisposition; Hereditary neoplastic syndrome. Identifiers: Orphanet 140162, MedGen C0027672, MeSH D009386, MONDO:0015356.

gnomAD v4.1: 4 of 1,613,948 alleles (0.00025%); highest among the groups gnomAD compares: Middle Eastern, 0.017%; no homozygotes.

Submissions (2):

Labcorp Genetics (formerly Invitae), Labcorp
Classification: Uncertain significance for Pheochromocytoma/paraganglioma syndrome 5; Mitochondrial complex II deficiency, nuclear type 1. Last evaluated: 2025-12-08. Review status: criteria provided, single submitter. Criteria: Invitae Variant Classification Sherloc (09022015). Collection method: clinical testing. Allele origin: germline.
Comment: This sequence change replaces isoleucine, which is neutral and non-polar, with valine, which is neutral and non-polar, at codon 239 of the SDHA protein (p.Ile239Val). This variant is not present in population databases (gnomAD no frequency). This variant has not been reported in the literature in individuals affected with SDHA-related conditions. ClinVar contains an entry for this variant (Variation ID: 412381). Invitae Evidence Modeling of protein sequence and biophysical properties (such as structural, functional, and spatial information, amino acid conservation, physicochemical variation, residue mobility, and thermodynamic stability) indicates that this missense variant is not expected to disrupt SDHA protein function with a negative predictive value of 95%. In summary, the available evidence is currently insufficient to determine the role of this variant in disease. Therefore, it has been classified as a Variant of Uncertain Significance.

Ambry Genetics
Classification: Uncertain significance for Hereditary cancer-predisposing syndrome. Last evaluated: 2024-10-25. Review status: criteria provided, single submitter. Criteria: Ambry Variant Classification Scheme 2023. Collection method: clinical testing. Allele origin: germline.
Comment: The p.I239V variant (also known as c.715A>G), located in coding exon 6 of the SDHA gene, results from an A to G substitution at nucleotide position 715. The isoleucine at codon 239 is replaced by valine, an amino acid with highly similar properties. This amino acid position is not well conserved in available vertebrate species. In addition, this alteration is predicted to be tolerated by in silico analysis. Since supporting evidence is limited at this time, the clinical significance of this alteration remains unclear.

NM_004168.4(SDHA):c.715A>G (p.Ile239Val)

Gene: SDHA (succinate dehydrogenase complex flavoprotein subunit A; plus strand). Cytogenetic location: 5p15.33.
Variant type: single nucleotide variant.
Coding change: c.715A>G on transcript NM_004168.4 (MANE Select); coding-DNA position 715, A replaced by G.
Protein change: p.Ile239Val; replaces isoleucine 239 with valine.
Molecular consequence: missense variant.
Genome position (GRCh38, 1-based): chr5:228,278, A>G. VCF-style: chr5-228278-A-G. GRCh37 (hg19) VCF-style: chr5-228393-A-G.
Other names: c.571A>G, p.Ile191Val (NM_001294332.2); c.715A>G, p.Ile239Val (NM_001330758.2); short protein forms I239V, I191V.
Identifiers: ClinVar variation 412381 (VCV000412381.14), dbSNP rs760106352, ClinGen allele CA3172948.